The following is an entry in ClinVar:

NM_003482.4(KMT2D):c.2999T>A (p.Ile1000Asn)

Gene: KMT2D (lysine methyltransferase 2D; minus strand). Cytogenetic location: 12q13.12.
Variant type: single nucleotide variant.
Coding change: c.2999T>A on transcript NM_003482.4 (MANE Select); coding-DNA position 2999, T replaced by A.
Protein change: p.Ile1000Asn; replaces isoleucine 1000 with asparagine.
Molecular consequence: missense variant.
Genome position (GRCh38, 1-based): chr12:49,050,589, A>T on the plus strand (T>A on the coding strand, the complement: KMT2D is on the minus strand). VCF-style: chr12-49050589-A-T. GRCh37 (hg19) VCF-style: chr12-49444372-A-T.
Other names: short protein forms I1000N.
Identifiers: ClinVar variation 4995470 (VCV004995470.1).

ClinVar aggregate classification (germline): Uncertain significance (1 of 4 stars; one submission).

Conditions:
KMT2D-related disorder. Also called: KMT2D-Related Disorders.

Submission:

PreventionGenetics, part of Exact Sciences
Classification: Uncertain significance for KMT2D-related condition. Last evaluated: 2026-02-05. Review status: criteria provided, single submitter. Criteria: ACMG Guidelines, 2015. Collection method: clinical testing. Allele origin: germline.
Comment: The KMT2D c.2999T>A variant is predicted to result in the amino acid substitution p.Ile1000Asn. To our knowledge, this variant has not been reported in the literature. This variant is reported in 0.0065% of alleles in individuals of African descent in gnomAD. At this time, the clinical significance of this variant is uncertain due to the absence of conclusive functional and genetic evidence.